The following is an entry in ClinVar:

NM_001278064.2(GRM1):c.2213G>A (p.Ser738Asn)

Gene: GRM1 (glutamate metabotropic receptor 1; plus strand). Cytogenetic location: 6q24.3.
Variant type: single nucleotide variant.
Coding change: c.2213G>A on transcript NM_001278064.2 (MANE Select); coding-DNA position 2213, G replaced by A.
Protein change: p.Ser738Asn; replaces serine 738 with asparagine.
Molecular consequence: missense variant.
Genome position (GRCh38, 1-based): chr6:146,399,252, G>A. VCF-style: chr6-146399252-G-A. GRCh37 (hg19) VCF-style: chr6-146720388-G-A.
Other names: c.2213G>A, p.Ser738Asn (NM_001278065.2, NM_001278066.1, NM_001278067.1); short protein forms S738N.
Identifiers: ClinVar variation 3694651 (VCV003694651.2).

ClinVar aggregate classification (germline): Uncertain significance (1 of 4 stars; one submission).

gnomAD v4.1: 2 of 1,614,030 alleles (0.00012%); highest among the groups gnomAD compares: Non-Finnish European, 0.00017%; no homozygotes.

Submission:

Labcorp Genetics (formerly Invitae), Labcorp
Classification: Uncertain significance. Last evaluated: 2024-04-12. Review status: criteria provided, single submitter. Criteria: Invitae Variant Classification Sherloc (09022015). Collection method: clinical testing. Allele origin: germline.
Comment: This sequence change replaces serine, which is neutral and polar, with asparagine, which is neutral and polar, at codon 738 of the GRM1 protein (p.Ser738Asn). This variant is not present in population databases (gnomAD no frequency). This variant has not been reported in the literature in individuals affected with GRM1-related conditions. An algorithm developed to predict the effect of missense changes on protein structure and function (PolyPhen-2) suggests that this variant is likely to be disruptive. In summary, the available evidence is currently insufficient to determine the role of this variant in disease. Therefore, it has been classified as a Variant of Uncertain Significance.